The following is an entry in ClinVar:

ClinVar aggregate classification (germline): Uncertain significance. Review status: criteria provided, multiple submitters, no conflicts (2 of 4 stars). 3 submissions from 3 submitters: Uncertain significance (2). 1 of the submissions does not count toward it. Last evaluated 2024-09-20.

Conditions:
Retinal dystrophy. Also called: Inherited retinal dystrophy. Identifiers: Orphanet 71862, MedGen C0854723, MeSH D058499, MONDO:0019118, HP:0000556.

Allele frequency attached by ClinVar (database versions not stated): gnomAD exomes 0.00001 and 0.00004; ExAC 0.00005; TOPMed 0.00010; gnomAD 0.00016 and 0.00019; ESP Exome Variant Server 0.00031.
gnomAD v4.1: 34 of 1,613,970 alleles (0.0021%); highest among the groups gnomAD compares: African/African-American, 0.041%; no homozygotes.

Submissions (3):

Blueprint Genetics
Classification: Uncertain significance. Last evaluated: 2024-09-20. Review status: criteria provided, single submitter. Criteria: ACMG Guidelines, 2015. Collection method: clinical testing. Allele origin: germline.

Labcorp Genetics (formerly Invitae), Labcorp
Classification: Uncertain significance. Last evaluated: 2022-07-06. Review status: criteria provided, single submitter. Criteria: Invitae Variant Classification Sherloc (09022015). Collection method: clinical testing. Allele origin: germline.
Comment: This sequence change replaces lysine, which is basic and polar, with glutamic acid, which is acidic and polar, at codon 374 of the RTN4IP1 protein (p.Lys374Glu). This variant is present in population databases (rs146792329, gnomAD 0.06%). This variant has not been reported in the literature in individuals affected with RTN4IP1-related conditions. ClinVar contains an entry for this variant (Variation ID: 1055298). Algorithms developed to predict the effect of missense changes on protein structure and function output the following: SIFT: "Tolerated"; PolyPhen-2: "Benign"; Align-GVGD: "Class C0". The glutamic acid amino acid residue is found in multiple mammalian species, which suggests that this missense change does not adversely affect protein function. Algorithms developed to predict the effect of sequence changes on RNA splicing suggest that this variant may create or strengthen a splice site. In summary, the available evidence is currently insufficient to determine the role of this variant in disease. Therefore, it has been classified as a Variant of Uncertain Significance.

Institute of Human Genetics, Univ. Regensburg, Univ. Regensburg
Classification: Uncertain significance for Retinal dystrophy. Last evaluated: 2022-01-01. Review status: no assertion criteria provided. Criteria: ACMG Guidelines, 2015. Collection method: clinical testing. Allele origin: germline. Affected: yes. Not counted in ClinVar's aggregate classification.

NM_032730.5(RTN4IP1):c.1120A>G (p.Lys374Glu)

Gene: RTN4IP1 (reticulon 4 interacting protein 1; minus strand). Cytogenetic location: 6q21.
Variant type: single nucleotide variant.
Coding change: c.1120A>G on transcript NM_032730.5 (MANE Select); coding-DNA position 1120, A replaced by G.
Protein change: p.Lys374Glu; replaces lysine 374 with glutamic acid.
Molecular consequence: missense variant.
Genome position (GRCh38, 1-based): chr6:106,572,067, T>C on the plus strand (A>G on the coding strand, the complement: RTN4IP1 is on the minus strand). VCF-style: chr6-106572067-T-C. GRCh37 (hg19) VCF-style: chr6-107019942-T-C.
Other names: c.820A>G, p.Lys274Glu (NM_001318746.1); short protein forms K274E, K374E.
Identifiers: ClinVar variation 1055298 (VCV001055298.6), dbSNP rs146792329, ClinGen allele CA3944268.